The following is an entry in ClinVar:

NM_001999.4(FBN2):c.8216T>A (p.Phe2739Tyr)

Gene: FBN2 (fibrillin 2; minus strand). Cytogenetic location: 5q23.3.
Variant type: single nucleotide variant.
Coding change: c.8216T>A on transcript NM_001999.4 (MANE Select); coding-DNA position 8216, T replaced by A.
Protein change: p.Phe2739Tyr; replaces phenylalanine 2739 with tyrosine.
Molecular consequence: missense variant.
Genome position (GRCh38, 1-based): chr5:128,261,884, A>T on the plus strand (T>A on the coding strand, the complement: FBN2 is on the minus strand). VCF-style: chr5-128261884-A-T. GRCh37 (hg19) VCF-style: chr5-127597576-A-T.
Other names: short protein forms F2739Y.
Identifiers: ClinVar variation 3617613 (VCV003617613.2).

ClinVar aggregate classification (germline): Uncertain significance (1 of 4 stars; one submission).

Conditions:
Congenital contractural arachnodactyly (CCA). Also called: Arthrogryposis, distal, type 9; BEALS SYNDROME; Beals-Hecht syndrome. Identifiers: Orphanet 115, MedGen C0220668, MONDO:0007363, OMIM 121050.

Submission:

Labcorp Genetics (formerly Invitae), Labcorp
Classification: Uncertain significance for Congenital contractural arachnodactyly. Last evaluated: 2024-05-09. Review status: criteria provided, single submitter. Criteria: Invitae Variant Classification Sherloc (09022015). Collection method: clinical testing. Allele origin: germline.
Comment: This sequence change replaces phenylalanine, which is neutral and non-polar, with tyrosine, which is neutral and polar, at codon 2739 of the FBN2 protein (p.Phe2739Tyr). This variant is not present in population databases (gnomAD no frequency). This variant has not been reported in the literature in individuals affected with FBN2-related conditions. Advanced modeling of protein sequence and biophysical properties (such as structural, functional, and spatial information, amino acid conservation, physicochemical variation, residue mobility, and thermodynamic stability) performed at Invitae indicates that this missense variant is not expected to disrupt FBN2 protein function with a negative predictive value of 80%. In summary, the available evidence is currently insufficient to determine the role of this variant in disease. Therefore, it has been classified as a Variant of Uncertain Significance.